The following is an entry in ClinVar:

NM_001365536.1(SCN9A):c.2845A>C (p.Met949Leu)

Genes: SCN9A (sodium voltage-gated channel alpha subunit 9; minus strand), SCN1A-AS1 (SCN1A and SCN9A antisense RNA 1; plus strand). Cytogenetic location: 2q24.3.
Variant type: single nucleotide variant.
Coding change: c.2845A>C on transcript NM_001365536.1 (MANE Select); coding-DNA position 2845, A replaced by C.
Protein change: p.Met949Leu; replaces methionine 949 with leucine.
Molecular consequence: missense variant.
Genome position (GRCh38, 1-based): chr2:166,277,012, T>G on the plus strand (A>C on the coding strand, the complement: SCN9A is on the minus strand). VCF-style: chr2-166277012-T-G. GRCh37 (hg19) VCF-style: chr2-167133522-T-G.
Other names: c.2812A>C, p.Met938Leu (NM_002977.4); short protein forms M938L, M949L.
Identifiers: ClinVar variation 3749567 (VCV003749567.2).

ClinVar aggregate classification (germline): Uncertain significance (1 of 4 stars; one submission).

Conditions:
Generalized epilepsy with febrile seizures plus, type 7 (GEFSP7). Also called: GEFS+, TYPE 7. Identifiers: Orphanet 36387, MedGen C2751778, MONDO:0013470, OMIM 613863.
Neuropathy, hereditary sensory and autonomic, type 2A (HSAN2A). Also called: MORVAN DISEASE; NEUROPATHY, CONGENITAL SENSORY; NEUROPATHY, HEREDITARY SENSORY RADICULAR, AUTOSOMAL RECESSIVE; NEUROPATHY, HEREDITARY SENSORY, TYPE IIA; NEUROPATHY, PROGRESSIVE SENSORY, OF CHILDREN; HSAN IIA. Identifiers: Orphanet 970, MedGen C2752089, MONDO:0024309, OMIM 201300.

Submission:

Labcorp Genetics (formerly Invitae), Labcorp
Classification: Uncertain significance for Neuropathy, hereditary sensory and autonomic, type 2A; Generalized epilepsy with febrile seizures plus, type 7. Last evaluated: 2024-12-17. Review status: criteria provided, single submitter. Criteria: Invitae Variant Classification Sherloc (09022015). Collection method: clinical testing. Allele origin: germline.
Comment: This sequence change replaces methionine, which is neutral and non-polar, with leucine, which is neutral and non-polar, at codon 938 of the SCN9A protein (p.Met938Leu). This variant is not present in population databases (gnomAD no frequency). This variant has not been reported in the literature in individuals affected with SCN9A-related conditions. Invitae Evidence Modeling of protein sequence and biophysical properties (such as structural, functional, and spatial information, amino acid conservation, physicochemical variation, residue mobility, and thermodynamic stability) indicates that this missense variant is not expected to disrupt SCN9A protein function with a negative predictive value of 95%. In summary, the available evidence is currently insufficient to determine the role of this variant in disease. Therefore, it has been classified as a Variant of Uncertain Significance.